The following is an entry in ClinVar:

NM_005045.4(RELN):c.5210+311A>G

Gene: RELN (reelin; minus strand). Cytogenetic location: 7q22.1.
Variant type: single nucleotide variant.
Coding change: c.5210+311A>G on transcript NM_005045.4 (MANE Select); 311 bases into the intron after coding-DNA position 5210, A replaced by G.
Molecular consequence: intron variant.
Genome position (GRCh38, 1-based): chr7:103,564,967, T>C on the plus strand (A>G on the coding strand, the complement: RELN is on the minus strand). VCF-style: chr7-103564967-T-C. GRCh37 (hg19) VCF-style: chr7-103205414-T-C.
Other names: c.5210+311A>G (NM_173054.3).
Identifiers: ClinVar variation 668956 (VCV000668956.1), dbSNP rs362724, ClinGen allele CA163913000.

ClinVar aggregate classification (germline): Benign (1 of 4 stars; one submission).

Allele frequency attached by ClinVar (database versions not stated): 1000 Genomes Project 0.29333; 1000 Genomes Project 30x 0.29825; gnomAD 0.32924 and 0.33626; TOPMed 0.33458.
gnomAD v4.1: 49,964 of 152,068 alleles (33%); highest among the groups gnomAD compares: African/African-American, 46%; 8,872 homozygotes.

Submission:

GeneDx
Classification: Benign. Last evaluated: 2018-06-19. Review status: criteria provided, single submitter. Criteria: GeneDx Variant Classification (06012015). Collection method: clinical testing. Allele origin: germline. Affected: yes.
Comment: This variant is considered likely benign or benign based on one or more of the following criteria: it is a conservative change, it occurs at a poorly conserved position in the protein, it is predicted to be benign by multiple in silico algorithms, and/or has population frequency not consistent with disease.